The following is an entry in ClinVar:

NM_153676.4(USH1C):c.2224A>G (p.Met742Val)

Gene: USH1C (USH1 protein network component harmonin; minus strand). Cytogenetic location: 11p15.1.
Variant type: single nucleotide variant.
Coding change: c.2224A>G on transcript NM_153676.4 (MANE Select); coding-DNA position 2224, A replaced by G.
Protein change: p.Met742Val; replaces methionine 742 with valine.
Molecular consequence: missense variant. On other transcripts: non-coding transcript variant (1).
Genome position (GRCh38, 1-based): chr11:17,501,941, T>C on the plus strand (A>G on the coding strand, the complement: USH1C is on the minus strand). VCF-style: chr11-17501941-T-C. GRCh37 (hg19) VCF-style: chr11-17523488-T-C.
Other names: c.1267A>G, p.Met423Val (NM_001297764.2); c.1324A>G, p.Met442Val (NM_005709.4); short protein forms M423V, M442V, M742V.
Identifiers: ClinVar variation 2419549 (VCV002419549.5), dbSNP rs2497007488, ClinGen allele CA379803841.
Genomic context (GRCh38, chr11:17,501,941, plus strand): 5'-CCCCCACACTGCCCTGTTCCTGGGGTTACTTGTCCAGGAGAGAAGCGTCATCTCTTACCA[T>C]AGAGTAGGGGTCAAAGCCTTCCTCATATTTCCGGAAATCCTGGAAGCAAAGGGAGGGCTT-3'
Protein context (NP_710142.1, residues 732-752): KYEEGFDPYS[Met742Val]FTPEQIMGKD

ClinVar aggregate classification (germline): Uncertain significance (1 of 4 stars; one submission).

Allele frequency attached by ClinVar (database versions not stated): gnomAD exomes below 0.00001.
gnomAD v4.1: 1 of 1,613,422 alleles (0.000062%); highest among the groups gnomAD compares: Non-Finnish European, 0.000085%; no homozygotes.

Submission:

Labcorp Genetics (formerly Invitae), Labcorp
Classification: Uncertain significance. Last evaluated: 2022-07-18. Review status: criteria provided, single submitter. Criteria: Invitae Variant Classification Sherloc (09022015). Collection method: clinical testing. Allele origin: germline.
Comment: In summary, the available evidence is currently insufficient to determine the role of this variant in disease. Therefore, it has been classified as a Variant of Uncertain Significance. Algorithms developed to predict the effect of missense changes on protein structure and function (SIFT, PolyPhen-2, Align-GVGD) all suggest that this variant is likely to be tolerated. This variant has not been reported in the literature in individuals affected with USH1C-related conditions. This variant is not present in population databases (gnomAD no frequency). This sequence change replaces methionine, which is neutral and non-polar, with valine, which is neutral and non-polar, at codon 442 of the USH1C protein (p.Met442Val).